The following is an entry in ClinVar:

NM_000245.4(MET):c.*87G>A

Gene: MET (MET proto-oncogene, receptor tyrosine kinase; plus strand). Cytogenetic location: 7q31.2.
Variant type: single nucleotide variant.
Coding change: c.*87G>A on transcript NM_000245.4 (MANE Select); 87 bases downstream of the stop codon, G replaced by A.
Molecular consequence: 3 prime UTR variant.
Genome position (GRCh38, 1-based): chr7:116,796,211, G>A. VCF-style: chr7-116796211-G-A. GRCh37 (hg19) VCF-style: chr7-116436265-G-A.
Other names: c.*87G>A (LRG_662t1, NM_001127500.3, NM_001324402.2).
Identifiers: ClinVar variation 358697 (VCV000358697.5), dbSNP rs41281081, ClinGen allele CA10623061.
Genomic context (GRCh38, chr7:116,796,211, plus strand): 5'-CCACACTTTGTCCAATGGTTTTTTCACTGCCTGACCTTTAAAAGGCCATCGATATTCTTT[G>A]CTCTTGCCAAAATTGCACTATTATAGGACTTGTATTGTTATTTAAATTACTGGATTCTAA-3'

ClinVar aggregate classification (germline): Benign (1 of 4 stars; one submission).

Conditions:
Papillary renal cell carcinoma type 1 (RCCP1). Also called: RENAL CELL CARCINOMA, PAPILLARY, 1, SOMATIC; Renal adenocarcinoma; Renal cell carcinoma 1; Renal cell carcinoma, somatic. Identifiers: Orphanet 47044, MedGen C1336839, OMIM 605074, HP:0011797.

Allele frequency attached by ClinVar (database versions not stated): gnomAD 0.00250 and 0.00255; TOPMed 0.00271; gnomAD exomes 0.00331; 1000 Genomes Project 30x 0.00172; 1000 Genomes Project 0.00180.
gnomAD v4.1: 4,095 of 1,267,776 alleles (0.32%); highest among the groups gnomAD compares: Non-Finnish European, 0.38%; 19 homozygotes.

Submission:

Illumina Laboratory Services, Illumina
Classification: Benign for Papillary renal cell carcinoma type 1. Last evaluated: 2018-01-12. Review status: criteria provided, single submitter. Criteria: ICSL Variant Classification Criteria 13 December 2019. Collection method: clinical testing. Allele origin: germline.
Comment: This variant was observed in the ICSL laboratory as part of a predisposition screen in an ostensibly healthy population. It had not been previously curated by ICSL or reported in the Human Gene Mutation Database (HGMD: prior to June 1st, 2018), and was therefore a candidate for classification through an automated scoring system. Utilizing variant allele frequency, disease prevalence and penetrance estimates, and inheritance mode, an automated score was calculated to assess if this variant is too frequent to cause the disease. Based on the score and internal cut-off values, a variant classified as benign is not then subjected to further curation. The score for this variant resulted in a classification of benign for this disease.